The following is an entry in ClinVar:

ClinVar aggregate classification (germline): Uncertain significance. Review status: criteria provided, multiple submitters, no conflicts (2 of 4 stars). 2 submissions from 2 submitters: Uncertain significance (2). Last evaluated 2026-01-12.

Conditions:
T-cell immunodeficiency, congenital alopecia, and nail dystrophy. Also called: Congenital alopecia and nail dystrophy associated with severe functional T-cell immunodeficiency; Pignata Guarino syndrome. Identifiers: Orphanet 169095, MedGen C1866426, MONDO:0011132, OMIM 601705.
FOXN1-related disorder. Also called: FOXN1-related condition.

Allele frequency attached by ClinVar (database versions not stated): ExAC 0.00002; gnomAD 0.00002; gnomAD exomes 0.00005 and 0.00004; TOPMed 0.00006; ESP Exome Variant Server 0.00008.
gnomAD v4.1: 73 of 1,613,798 alleles (0.0045%); highest among the groups gnomAD compares: Non-Finnish European, 0.0057%; no homozygotes.

Submissions (2):

Labcorp Genetics (formerly Invitae), Labcorp
Classification: Uncertain significance for T-cell immunodeficiency, congenital alopecia, and nail dystrophy. Last evaluated: 2026-01-12. Review status: criteria provided, single submitter. Criteria: Invitae Variant Classification Sherloc (09022015). Collection method: clinical testing. Allele origin: germline.
Comment: This sequence change replaces serine, which is neutral and polar, with leucine, which is neutral and non-polar, at codon 570 of the FOXN1 protein (p.Ser570Leu). This variant is present in population databases (rs376900275, gnomAD 0.008%). This variant has not been reported in the literature in individuals affected with FOXN1-related conditions. ClinVar contains an entry for this variant (Variation ID: 654443). Invitae Evidence Modeling of protein sequence and biophysical properties (such as structural, functional, and spatial information, amino acid conservation, physicochemical variation, residue mobility, and thermodynamic stability) indicates that this missense variant is not expected to disrupt FOXN1 protein function with a negative predictive value of 80%. In summary, the available evidence is currently insufficient to determine the role of this variant in disease. Therefore, it has been classified as a Variant of Uncertain Significance.

PreventionGenetics, part of Exact Sciences
Classification: Uncertain significance for FOXN1-related condition. Last evaluated: 2022-09-16. Review status: criteria provided, single submitter. Criteria: ACMG Guidelines, 2015. Collection method: clinical testing. Allele origin: germline.
Comment: The FOXN1 c.1709C>T variant is predicted to result in the amino acid substitution p.Ser570Leu. TThis variant has been documented in a cohort of patients hospitalized for COVID-19 (Table S3 in Benetti et al. 2020. PubMed ID: 33206719). This variant is reported in 0.0078% of alleles in individuals of European (Non-Finnish) descent in gnomAD. At this time, the clinical significance of this variant is uncertain due to the absence of conclusive functional and genetic evidence.

NM_001369369.1(FOXN1):c.1709C>T (p.Ser570Leu)

Gene: FOXN1 (forkhead box N1; plus strand). Cytogenetic location: 17q11.2.
Variant type: single nucleotide variant.
Coding change: c.1709C>T on transcript NM_001369369.1 (MANE Select); coding-DNA position 1709, C replaced by T.
Protein change: p.Ser570Leu; replaces serine 570 with leucine.
Molecular consequence: missense variant.
Genome position (GRCh38, 1-based): chr17:28,537,198, C>T. VCF-style: chr17-28537198-C-T. GRCh37 (hg19) VCF-style: chr17-26864216-C-T.
Other names: c.1709C>T, p.Ser570Leu (NM_003593.3); short protein forms S570L.
Identifiers: ClinVar variation 654443 (VCV000654443.7), dbSNP rs376900275, ClinGen allele CA8459607.